The following is an entry in ClinVar:

ClinVar aggregate classification (germline): Uncertain significance (1 of 4 stars; one submission).

Conditions:
Werner syndrome (WRN). Identifiers: Orphanet 902, MedGen C0043119, MONDO:0010196, OMIM 277700.

Allele frequency attached by ClinVar (database versions not stated): gnomAD exomes below 0.00001; ExAC 0.00001.
gnomAD v4.1: 6 of 1,614,032 alleles (0.00037%); highest among the groups gnomAD compares: Non-Finnish European, 0.00051%; no homozygotes.

Submission:

Labcorp Genetics (formerly Invitae), Labcorp
Classification: Uncertain significance for Werner syndrome. Last evaluated: 2024-04-10. Review status: criteria provided, single submitter. Criteria: Invitae Variant Classification Sherloc (09022015). Collection method: clinical testing. Allele origin: germline.
Comment: This sequence change replaces threonine, which is neutral and polar, with alanine, which is neutral and non-polar, at codon 1194 of the WRN protein (p.Thr1194Ala). This variant is present in population databases (rs754007268, gnomAD 0.0009%). This variant has not been reported in the literature in individuals affected with WRN-related conditions. ClinVar contains an entry for this variant (Variation ID: 528103). An algorithm developed to predict the effect of missense changes on protein structure and function (PolyPhen-2) suggests that this variant is likely to be disruptive. In summary, the available evidence is currently insufficient to determine the role of this variant in disease. Therefore, it has been classified as a Variant of Uncertain Significance.

NM_000553.6(WRN):c.3580A>G (p.Thr1194Ala)

Gene: WRN (WRN RecQ like helicase; plus strand). Cytogenetic location: 8p12.
Variant type: single nucleotide variant.
Coding change: c.3580A>G on transcript NM_000553.6 (MANE Select); coding-DNA position 3580, A replaced by G.
Protein change: p.Thr1194Ala; replaces threonine 1194 with alanine.
Molecular consequence: missense variant.
Genome position (GRCh38, 1-based): chr8:31,150,348, A>G. VCF-style: chr8-31150348-A-G. GRCh37 (hg19) VCF-style: chr8-31007864-A-G.
Other names: short protein forms T1194A.
Identifiers: ClinVar variation 528103 (VCV000528103.5), dbSNP rs754007268, ClinGen allele CA4705121.